The following is an entry in ClinVar:

ClinVar aggregate classification (germline): Uncertain significance (1 of 4 stars; one submission).

Allele frequency attached by ClinVar (database versions not stated): gnomAD 0.00002; gnomAD exomes 0.00003; TOPMed 0.00004; ExAC 0.00005.
gnomAD v4.1: 38 of 1,197,314 alleles (0.0032%); highest among the groups gnomAD compares: East Asian, 0.057%; no homozygotes.

Submission:

Labcorp Genetics (formerly Invitae), Labcorp
Classification: Uncertain significance. Last evaluated: 2024-05-09. Review status: criteria provided, single submitter. Criteria: Invitae Variant Classification Sherloc (09022015). Collection method: clinical testing. Allele origin: germline.
Comment: This sequence change replaces proline, which is neutral and non-polar, with arginine, which is basic and polar, at codon 401 of the NYX protein (p.Pro401Arg). This variant is present in population databases (rs746961966, gnomAD 0.03%). This variant has not been reported in the literature in individuals affected with NYX-related conditions. ClinVar contains an entry for this variant (Variation ID: 2182751). An algorithm developed to predict the effect of missense changes on protein structure and function (PolyPhen-2) suggests that this variant is likely to be tolerated. In summary, the available evidence is currently insufficient to determine the role of this variant in disease. Therefore, it has been classified as a Variant of Uncertain Significance.

NM_001378477.3(NYX):c.1187C>G (p.Pro396Arg)

Gene: NYX (nyctalopin; plus strand). Cytogenetic location: Xp11.4.
Variant type: single nucleotide variant.
Coding change: c.1187C>G on transcript NM_001378477.3 (MANE Select); coding-DNA position 1187, C replaced by G.
Protein change: p.Pro396Arg; replaces proline 396 with arginine.
Molecular consequence: missense variant.
Genome position (GRCh38, 1-based): chrX:41,474,655, C>G. VCF-style: chrX-41474655-C-G. GRCh37 (hg19) VCF-style: chrX-41333908-C-G.
Other names: c.1187C>G, p.Pro396Arg (NM_022567.3); short protein forms P396R.
Identifiers: ClinVar variation 2182751 (VCV002182751.4), dbSNP rs746961966, ClinGen allele CA10389920.